The following is an entry in ClinVar:

ClinVar aggregate classification (germline): Uncertain significance. Review status: criteria provided, single submitter (1 of 4 stars). 2 submissions from 2 submitters: Uncertain significance (1). 1 of the submissions does not count toward it. Last evaluated 2022-08-08.

Conditions:
GPAA1-related disorder. Also called: GPAA1-related condition.

Allele frequency attached by ClinVar (database versions not stated): ExAC 0.00001; gnomAD 0.00001; TOPMed 0.00001; gnomAD exomes 0.00002 and 0.00004.
gnomAD v4.1: 58 of 1,612,872 alleles (0.0036%); highest among the groups gnomAD compares: Non-Finnish European, 0.0047%; no homozygotes.

Submissions (2):

Labcorp Genetics (formerly Invitae), Labcorp
Classification: Uncertain significance. Last evaluated: 2022-08-08. Review status: criteria provided, single submitter. Criteria: Invitae Variant Classification Sherloc (09022015). Collection method: clinical testing. Allele origin: germline.
Comment: This sequence change replaces phenylalanine, which is neutral and non-polar, with leucine, which is neutral and non-polar, at codon 170 of the GPAA1 protein (p.Phe170Leu). This variant is present in population databases (rs781992613, gnomAD 0.003%). This variant has not been reported in the literature in individuals affected with GPAA1-related conditions. ClinVar contains an entry for this variant (Variation ID: 1383395). Algorithms developed to predict the effect of missense changes on protein structure and function are either unavailable or do not agree on the potential impact of this missense change (SIFT: "Tolerated"; PolyPhen-2: "Possibly Damaging"; Align-GVGD: "Class C0"). In summary, the available evidence is currently insufficient to determine the role of this variant in disease. Therefore, it has been classified as a Variant of Uncertain Significance.

PreventionGenetics, part of Exact Sciences
Classification: Uncertain significance for GPAA1-related condition. Last evaluated: 2024-08-27. Review status: no assertion criteria provided. Collection method: clinical testing. Allele origin: germline. Not counted in ClinVar's aggregate classification.
Comment: The GPAA1 c.510C>A variant is predicted to result in the amino acid substitution p.Phe170Leu. To our knowledge, this variant has not been reported in the literature. This variant is reported in 0.0036% of alleles in individuals of European (Non-Finnish) descent in gnomAD. At this time, the clinical significance of this variant is uncertain due to the absence of conclusive functional and genetic evidence.

NM_003801.4(GPAA1):c.510C>A (p.Phe170Leu)

Gene: GPAA1 (glycosylphosphatidylinositol anchor attachment 1; plus strand). Cytogenetic location: 8q24.3.
Variant type: single nucleotide variant.
Coding change: c.510C>A on transcript NM_003801.4 (MANE Select); coding-DNA position 510, C replaced by A.
Protein change: p.Phe170Leu; replaces phenylalanine 170 with leucine.
Molecular consequence: missense variant.
Genome position (GRCh38, 1-based): chr8:144,083,857, C>A. VCF-style: chr8-144083857-C-A. GRCh37 (hg19) VCF-style: chr8-145138760-C-A.
Other names: c.510C>A (NM_003801.3); short protein forms F170L.
Identifiers: ClinVar variation 1383395 (VCV001383395.4), dbSNP rs781992613, ClinGen allele CA4932839.